The following is an entry in ClinVar:

NM_001040142.2(SCN2A):c.386+1A>C

Gene: SCN2A (sodium voltage-gated channel alpha subunit 2; plus strand). Cytogenetic location: 2q24.3.
Variant type: single nucleotide variant.
Coding change: c.386+1A>C on transcript NM_001040142.2 (MANE Select); the canonical splice donor site of the intron after coding-DNA position 386, A replaced by C.
Molecular consequence: splice donor variant.
Genome position (GRCh38, 1-based): chr2:165,297,136, A>C. VCF-style: chr2-165297136-A-C. GRCh37 (hg19) VCF-style: chr2-166153646-A-C.
Other names: c.386+1A>C (NM_001040143.2, NM_001371246.1, NM_001371247.1 and 1 more transcripts).
Identifiers: ClinVar variation 2041733 (VCV002041733.4), dbSNP rs2467844829, ClinGen allele CA349012061.

ClinVar aggregate classification (germline): Likely pathogenic (1 of 4 stars; one submission).

Conditions:
Developmental and epileptic encephalopathy, 11 (DEE11). Also called: Early infantile epileptic encephalopathy 11. Identifiers: Orphanet 1934, MedGen C3150987, MONDO:0013388, OMIM 613721.
Seizures, benign familial infantile, 3 (BFIS3). Also called: Familial neonatal seizures; CONVULSIONS, BENIGN FAMILIAL INFANTILE, 3. Identifiers: Orphanet 140927, Orphanet 306, MedGen C1843140, MONDO:0011904, OMIM 607745.

Submission:

Labcorp Genetics (formerly Invitae), Labcorp
Classification: Likely pathogenic for Seizures, benign familial infantile, 3; Developmental and epileptic encephalopathy, 11. Last evaluated: 2024-04-17. Review status: criteria provided, single submitter. Criteria: Invitae Variant Classification Sherloc (09022015). Collection method: clinical testing. Allele origin: germline.
Comment: This sequence change affects a donor splice site in intron 3 of the SCN2A gene. It is expected to disrupt RNA splicing. Variants that disrupt the donor or acceptor splice site typically lead to a loss of protein function (PMID: 16199547), and loss-of-function variants in SCN2A are known to be pathogenic (PMID: 28379373). This variant is not present in population databases (gnomAD no frequency). Disruption of this splice site has been observed in individual(s) with clinical features of SCN2A-related conditions (PMID: 33994118). ClinVar contains an entry for this variant (Variation ID: 2041733). Algorithms developed to predict the effect of sequence changes on RNA splicing suggest that this variant may disrupt the consensus splice site. In summary, the currently available evidence indicates that the variant is pathogenic, but additional data are needed to prove that conclusively. Therefore, this variant has been classified as Likely Pathogenic.

Literature cited by the submitters: PubMed 16199547; PubMed 28379373; PubMed 33994118.